The following is an entry in ClinVar:

ClinVar aggregate classification (germline): Uncertain significance (1 of 4 stars; one submission).

Conditions:
Developmental and epileptic encephalopathy, 9 (DEE9). Also called: Early infantile epileptic encephalopathy 9; EPILEPSY, FEMALE-RESTRICTED, WITH MENTAL RETARDATION; JUBERG-HELLMAN SYNDROME; PCDH19-Related X-Linked Female-Limited Epilepsy with Mental Retardation. Identifiers: Orphanet 101039, Orphanet 2076, MedGen C1848137, MONDO:0010246, OMIM 300088. Disease mechanism: loss of function.

Submission:

Institute of Human Genetics, University of Leipzig Medical Center
Classification: Uncertain significance for Developmental and epileptic encephalopathy, 9. Last evaluated: 2021-11-30. Review status: criteria provided, single submitter. Criteria: ACMG Guidelines, 2015. Collection method: clinical testing. Allele origin: maternal. Affected: yes.
Comment: Criteria applied: PVS1 _SIR, PS2_MOD, PM2 SUP

NM_001184880.2(PCDH19):c.3057dup (p.Lys1020fs)

Gene: PCDH19 (protocadherin 19; minus strand). Cytogenetic location: Xq22.1.
Variant type: Duplication.
Coding change: c.3057dup on transcript NM_001184880.2 (MANE Select); coding-DNA position 3057, one base duplicated (G; older notation c.3057dupG).
Protein change: p.Lys1020fs; shifts the reading frame from lysine 1020.
Molecular consequence: frameshift variant.
Genome position (GRCh38, 1-based): chrX:100,296,667, C duplicated on the plus strand (G on the coding strand, the reverse complement: PCDH19 is on the minus strand); the first of 3 consecutive C bases (chrX:100,296,667-100,296,669); duplicating any one gives the same sequence. VCF-style (leftmost placement, unchanged base first): chrX-100296666-T-TC. GRCh37 (hg19) VCF-style: chrX-99551664-T-TC.
Other names: c.2916dup, p.Lys973fs (NM_001105243.2); c.2913dup, p.Lys972fs (NM_020766.3); short protein forms K1020fs, K972fs, K973fs.
Identifiers: ClinVar variation 976214 (VCV000976214.4), dbSNP rs1924620442, ClinGen allele CA1139667710.